The following is an entry in ClinVar:

NM_004360.5(CDH1):c.127C>G (p.Arg43Gly)

Gene: CDH1 (cadherin 1; plus strand). Cytogenetic location: 16q22.1.
Variant type: single nucleotide variant.
Coding change: c.127C>G on transcript NM_004360.5 (MANE Select); coding-DNA position 127, C replaced by G.
Protein change: p.Arg43Gly; replaces arginine 43 with glycine.
Molecular consequence: missense variant. On other transcripts: 5 prime UTR variant (2).
Genome position (GRCh38, 1-based): chr16:68,738,375, C>G. VCF-style: chr16-68738375-C-G. GRCh37 (hg19) VCF-style: chr16-68772278-C-G.
Other names: c.127C>G, p.Arg43Gly (NM_001317184.2); c.-1489C>G (NM_001317185.2); c.-1693C>G (NM_001317186.2); short protein forms R43G.
Identifiers: ClinVar variation 2814989 (VCV002814989.3), dbSNP rs1962460987, ClinGen allele CA396452149.

ClinVar aggregate classification (germline): Uncertain significance (1 of 4 stars; one submission).

Conditions:
Hereditary diffuse gastric adenocarcinoma (HDGC). Also called: DIFFUSE GASTRIC AND LOBULAR BREAST CANCER SYNDROME. Identifiers: Orphanet 26106, MedGen C1708349, MONDO:0007648, OMIM 137215.

Submission:

Labcorp Genetics (formerly Invitae), Labcorp
Classification: Uncertain significance for Hereditary diffuse gastric adenocarcinoma. Last evaluated: 2024-07-04. Review status: criteria provided, single submitter. Criteria: Invitae Variant Classification Sherloc (09022015). Collection method: clinical testing. Allele origin: germline.
Comment: This sequence change replaces arginine, which is basic and polar, with glycine, which is neutral and non-polar, at codon 43 of the CDH1 protein (p.Arg43Gly). This variant is not present in population databases (gnomAD no frequency). This variant has not been reported in the literature in individuals affected with CDH1-related conditions. Algorithms developed to predict the effect of missense changes on protein structure and function output the following: SIFT: "Not Available"; PolyPhen-2: "Benign"; Align-GVGD: "Not Available". The glycine amino acid residue is found in multiple mammalian species, which suggests that this missense change does not adversely affect protein function. In summary, the available evidence is currently insufficient to determine the role of this variant in disease. Therefore, it has been classified as a Variant of Uncertain Significance.